The following is an entry in ClinVar:

NM_003072.5(SMARCA4):c.1065C>G (p.Ile355Met)

Gene: SMARCA4 (SWI/SNF related BAF chromatin remodeling complex subunit ATPase 4; plus strand). Cytogenetic location: 19p13.2.
Variant type: single nucleotide variant.
Coding change: c.1065C>G on transcript NM_003072.5 (MANE Select); coding-DNA position 1065, C replaced by G.
Protein change: p.Ile355Met; replaces isoleucine 355 with methionine.
Molecular consequence: missense variant. On other transcripts: non-coding transcript variant (1).
Genome position (GRCh38, 1-based): chr19:10,987,871, C>G. VCF-style: chr19-10987871-C-G. GRCh37 (hg19) VCF-style: chr19-11098547-C-G.
Other names: c.1065C>G, p.Ile355Met (NM_001128844.3, NM_001128845.2, NM_001128846.2 and 5 more transcripts); short protein forms I355M.
Identifiers: ClinVar variation 1060754 (VCV001060754.9), dbSNP rs1342901943, ClinGen allele CA404058760.

ClinVar aggregate classification (germline): Uncertain significance (1 of 4 stars; one submission).

Conditions:
Rhabdoid tumor predisposition syndrome 2 (RTPS2). Identifiers: Orphanet 231108, Orphanet 69077, MedGen C2750074, MONDO:0013224, OMIM 613325.

Submission:

Labcorp Genetics (formerly Invitae), Labcorp
Classification: Uncertain significance for Rhabdoid tumor predisposition syndrome 2. Last evaluated: 2024-06-06. Review status: criteria provided, single submitter. Criteria: Invitae Variant Classification Sherloc (09022015). Collection method: clinical testing. Allele origin: germline.
Comment: This sequence change replaces isoleucine, which is neutral and non-polar, with methionine, which is neutral and non-polar, at codon 355 of the SMARCA4 protein (p.Ile355Met). This variant is not present in population databases (gnomAD no frequency). This variant has not been reported in the literature in individuals affected with SMARCA4-related conditions. ClinVar contains an entry for this variant (Variation ID: 1060754). Advanced modeling of protein sequence and biophysical properties (such as structural, functional, and spatial information, amino acid conservation, physicochemical variation, residue mobility, and thermodynamic stability) performed at Invitae indicates that this missense variant is not expected to disrupt SMARCA4 protein function with a negative predictive value of 95%. In summary, the available evidence is currently insufficient to determine the role of this variant in disease. Therefore, it has been classified as a Variant of Uncertain Significance.